The following is an entry in ClinVar:

NM_014244.5(ADAMTS2):c.1098C>T (p.Leu366=)

Gene: ADAMTS2 (ADAM metallopeptidase with thrombospondin type 1 motif 2; minus strand). Cytogenetic location: 5q35.3.
Variant type: single nucleotide variant.
Coding change: c.1098C>T on transcript NM_014244.5 (MANE Select); coding-DNA position 1098, C replaced by T.
Protein change: p.Leu366=; no amino-acid change (leucine 366 retained).
Molecular consequence: synonymous variant.
Genome position (GRCh38, 1-based): chr5:179,158,757, G>A on the plus strand (C>T on the coding strand, the complement: ADAMTS2 is on the minus strand). VCF-style: chr5-179158757-G-A. GRCh37 (hg19) VCF-style: chr5-178585758-G-A.
Other names: c.1098C>T, p.Leu366= (NM_021599.4); c.1098C>T (NM_014244.4).
Identifiers: ClinVar variation 1096348 (VCV001096348.11), dbSNP rs374671543, ClinGen allele CA3596042.

ClinVar aggregate classification (germline): Likely benign. Review status: criteria provided, single submitter (1 of 4 stars). 2 submissions from 2 submitters: Likely benign (1). 1 of the submissions does not count toward it. Last evaluated 2025-12-29.

Conditions:
ADAMTS2-related disorder. Also called: ADAMTS2-related condition.
Ehlers-Danlos syndrome, dermatosparaxis type. Also called: Dermatosparaxis; Ehlers-Danlos syndrome, type VII, autosomal recessive; EDS VIIC. Identifiers: Orphanet 1901, MedGen C2700425, MONDO:0009161, OMIM 225410.

Allele frequency attached by ClinVar (database versions not stated): gnomAD exomes below 0.00001; TOPMed below 0.00001; ExAC 0.00001; ESP Exome Variant Server 0.00008.
gnomAD v4.1: 3 of 1,614,248 alleles (0.00019%); highest among the groups gnomAD compares: Non-Finnish European, 0.00025%; no homozygotes.

Submissions (2):

Labcorp Genetics (formerly Invitae), Labcorp
Classification: Likely benign for Ehlers-Danlos syndrome, dermatosparaxis type. Last evaluated: 2025-12-29. Review status: criteria provided, single submitter. Criteria: Invitae Variant Classification Sherloc (09022015). Collection method: clinical testing. Allele origin: germline.

PreventionGenetics, part of Exact Sciences
Classification: Likely benign for ADAMTS2-related condition. Last evaluated: 2023-10-12. Review status: no assertion criteria provided. Collection method: clinical testing. Allele origin: germline. Not counted in ClinVar's aggregate classification.
Comment: This variant is classified as likely benign based on ACMG/AMP sequence variant interpretation guidelines (Richards et al. 2015 PMID: 25741868, with internal and published modifications).